The following is an entry in ClinVar:

NM_000245.4(MET):c.4151C>G (p.Ala1384Gly)

Gene: MET (MET proto-oncogene, receptor tyrosine kinase; plus strand). Cytogenetic location: 7q31.2.
Variant type: single nucleotide variant.
Coding change: c.4151C>G on transcript NM_000245.4 (MANE Select); coding-DNA position 4151, C replaced by G.
Protein change: p.Ala1384Gly; replaces alanine 1384 with glycine.
Molecular consequence: missense variant.
Genome position (GRCh38, 1-based): chr7:116,796,102, C>G. VCF-style: chr7-116796102-C-G. GRCh37 (hg19) VCF-style: chr7-116436156-C-G.
Other names: c.4205C>G, p.Ala1402Gly (NM_001127500.3); c.2861C>G, p.Ala954Gly (NM_001324402.2); c.4205C>G (LRG_662t1); short protein forms A1402G, A1384G, A954G.
Identifiers: ClinVar variation 41626 (VCV000041626.13), dbSNP rs202166889, ClinGen allele CA215661.
Genomic context (GRCh38, chr7:116,796,102, plus strand): 5'-CGTATCCTTCTCTGTTGTCATCAGAAGATAACGCTGATGATGAGGTGGACACACGACCAG[C>G]CTCCTTCTGGGAGACATCATAGTGCTAGTACTATGTCAAAGCAACAGTCCACACTTTGTC-3'
Protein context (NP_000236.2, residues 1374-1390): NADDEVDTRP[Ala1384Gly]SFWETS

ClinVar aggregate classification (germline): Conflicting classifications of pathogenicity. Review status: criteria provided, conflicting classifications (1 of 4 stars). 4 submissions from 4 submitters: Uncertain significance (2); Likely benign (1). 1 of the submissions does not count toward it. Last evaluated 2025-10-25.

Conditions:
Renal cell carcinoma. Identifiers: Orphanet 217071, MedGen C0007134, MeSH D002292, MONDO:0005086, HP:0005584.
Hereditary cancer-predisposing syndrome. Also called: Tumor predisposition; Neoplastic Syndromes, Hereditary; Hereditary neoplastic syndrome; Hereditary Cancer Syndrome. Identifiers: Orphanet 140162, MedGen C0027672, MeSH D009386, MONDO:0015356.

Allele frequency attached by ClinVar (database versions not stated): gnomAD exomes below 0.00001; TOPMed below 0.00001; gnomAD 0.00001.
gnomAD v4.1: 2 of 1,614,034 alleles (0.00012%); highest among the groups gnomAD compares: Admixed American, 0.0017%; no homozygotes.

Submissions (4):

Labcorp Genetics (formerly Invitae), Labcorp
Classification: Uncertain significance for Renal cell carcinoma. Last evaluated: 2025-10-25. Review status: criteria provided, single submitter. Criteria: Invitae Variant Classification Sherloc (09022015). Collection method: clinical testing. Allele origin: germline.
Comment: This sequence change replaces alanine, which is neutral and non-polar, with glycine, which is neutral and non-polar, at codon 1402 of the MET protein (p.Ala1402Gly). This variant is not present in population databases (gnomAD no frequency). This variant has not been reported in the literature in individuals affected with MET-related conditions. ClinVar contains an entry for this variant (Variation ID: 41626). An algorithm developed to predict the effect of missense changes on protein structure and function outputs the following: PolyPhen-2: "Not Available". The glycine amino acid residue is found in multiple mammalian species, which suggests that this missense change does not adversely affect protein function. In summary, the available evidence is currently insufficient to determine the role of this variant in disease. Therefore, it has been classified as a Variant of Uncertain Significance.

Ambry Genetics
Classification: Likely benign for Hereditary cancer-predisposing syndrome. Last evaluated: 2024-05-16. Review status: criteria provided, single submitter. Criteria: Ambry Variant Classification Scheme 2023. Collection method: clinical testing. Allele origin: germline.

Blueprint Genetics
Classification: Uncertain significance. Last evaluated: 2024-03-22. Review status: criteria provided, single submitter. Criteria: ACMG Guidelines, 2015. Collection method: clinical testing. Allele origin: germline.

Biesecker Lab/Clinical Genomics Section, National Institutes of Health
Classification: Uncertain significance. Last evaluated: 2012-07-13. Review status: no assertion criteria provided. Collection method: research. Allele origin: germline. Affected: no. Observed: 1 variant allele. Study: ClinSeq. Not counted in ClinVar's aggregate classification.
ClinVar note: Converted during submission from variant of unknown significance to Uncertain significance.